The following is an entry in ClinVar:

NM_032043.3(BRIP1):c.2492+2T>C

Gene: BRIP1 (BRCA1 interacting DNA helicase 1; minus strand). Cytogenetic location: 17q23.2.
Variant type: single nucleotide variant.
Coding change: c.2492+2T>C on transcript NM_032043.3 (MANE Select); the canonical splice donor site of the intron after coding-DNA position 2492, T replaced by C.
Molecular consequence: splice donor variant.
Genome position (GRCh38, 1-based): chr17:61,715,949, A>G on the plus strand (T>C on the coding strand, the complement: BRIP1 is on the minus strand). VCF-style: chr17-61715949-A-G. GRCh37 (hg19) VCF-style: chr17-59793310-A-G.
Identifiers: ClinVar variation 1896645 (VCV001896645.7), dbSNP rs1409603424, ClinGen allele CA400479372.
Genomic context (GRCh38, chr17:61,715,949, plus strand): 5'-GACTAGATTTATATATATAGCCCTGTCACAGATAATATTATATTAAATTTCACTCCACTT[A>G]CCTACCAAGGGCCTGGTTTAAGGCCCTGTATGCTTGAATTTCATACCACTGACGGCCAGG-3'

ClinVar aggregate classification (germline): Likely pathogenic. Review status: criteria provided, multiple submitters, no conflicts (2 of 4 stars). 3 submissions from 3 submitters: Likely pathogenic (3). Last evaluated 2025-09-03.

Conditions:
Familial cancer of breast. Also called: hereditary breast carcinoma; BREAST CANCER, FAMILIAL; Hereditary breast cancer. Identifiers: Orphanet 227535, MedGen C0346153, MONDO:0016419, OMIM 114480. Disease mechanism: loss of function.
Fanconi anemia complementation group J. Also called: BRIP1-Related Fanconi Anemia. Identifiers: Orphanet 84, MedGen C1836860, MONDO:0012187, OMIM 609054.
Hereditary cancer-predisposing syndrome. Also called: Tumor predisposition; Neoplastic Syndromes, Hereditary; Hereditary neoplastic syndrome; Hereditary Cancer Syndrome. Identifiers: Orphanet 140162, MedGen C0027672, MeSH D009386, MONDO:0015356.

Allele frequency attached by ClinVar (database versions not stated): gnomAD exomes below 0.00001.
gnomAD v4.1: 1 of 1,562,970 alleles (0.000064%); highest among the groups gnomAD compares: Middle Eastern, 0.017%; no homozygotes.

Submissions (3):

Myriad Genetics, Inc.
Classification: Likely pathogenic for Familial cancer of breast. Last evaluated: 2025-09-03. Review status: criteria provided, single submitter. Criteria: Myriad Autosomal Dominant, Autosomal Recessive and X-Linked Classification Criteria (2023). Collection method: clinical testing. Allele origin: unknown.
Comment: This variant is considered likely pathogenic. This variant occurs within a consensus splice junction and is predicted to result in abnormal mRNA splicing of either an out-of-frame exon or an in-frame exon necessary for protein stability and/or normal function.

Color Diagnostics, LLC DBA Color Health
Classification: Likely pathogenic for Hereditary cancer-predisposing syndrome. Last evaluated: 2024-01-04. Review status: criteria provided, single submitter. Criteria: ACMG Guidelines, 2015. Collection method: clinical testing. Allele origin: germline.
Comment: This variant causes a T>C nucleotide substitution at the +2 position of intron 17 of the BRIP1 gene. Splice site prediction tools suggest that this variant may have a significant impact on RNA splicing. Although this prediction has not been confirmed in published RNA studies, this variant is expected to result in an absent or disrupted protein product. This variant has not been reported in individuals affected with BRIP1-related disorders in the literature. This variant has been identified in 1/249084 chromosomes in the general population by the Genome Aggregation Database (gnomAD). Based on the available evidence, this variant is classified as Likely Pathogenic.

Labcorp Genetics (formerly Invitae), Labcorp
Classification: Likely pathogenic for Familial cancer of breast; Fanconi anemia complementation group J. Last evaluated: 2022-04-26. Review status: criteria provided, single submitter. Criteria: Invitae Variant Classification Sherloc (09022015). Collection method: clinical testing. Allele origin: germline.
Comment: This variant is present in population databases (no rsID available, gnomAD 0.0009%). This sequence change affects a donor splice site in intron 17 of the BRIP1 gene. It is expected to disrupt RNA splicing. Variants that disrupt the donor or acceptor splice site typically lead to a loss of protein function (PMID: 16199547), and loss-of-function variants in BRIP1 are known to be pathogenic (PMID: 16116423, 17033622, 21964575). This variant has not been reported in the literature in individuals affected with BRIP1-related conditions. In summary, the currently available evidence indicates that the variant is pathogenic, but additional data are needed to prove that conclusively. Therefore, this variant has been classified as Likely Pathogenic. Algorithms developed to predict the effect of sequence changes on RNA splicing suggest that this variant may disrupt the consensus splice site.

Literature cited by the submitters: PubMed 16199547 (cited by Labcorp Genetics (formerly Invitae), Labcorp); PubMed 16116423 (cited by Labcorp Genetics (formerly Invitae), Labcorp); PubMed 17033622 (cited by Labcorp Genetics (formerly Invitae), Labcorp); PubMed 21964575 (cited by Labcorp Genetics (formerly Invitae), Labcorp).